The following is an entry in ClinVar:

ClinVar aggregate classification (germline): Uncertain significance (1 of 4 stars; one submission).

Conditions:
Familial adenomatous polyposis 1 (FAP1). Also called: FAMILIAL ADENOMATOUS POLYPOSIS 1, ATTENUATED; POLYPOSIS, ADENOMATOUS INTESTINAL. Identifiers: MedGen C2713442, MONDO:0021056, OMIM 175100. Disease mechanism: loss of function.

Submission:

Labcorp Genetics (formerly Invitae), Labcorp
Classification: Uncertain significance for Familial adenomatous polyposis 1. Last evaluated: 2023-05-26. Review status: criteria provided, single submitter. Criteria: Invitae Variant Classification Sherloc (09022015). Collection method: clinical testing. Allele origin: germline.
Comment: This variant has not been reported in the literature in individuals affected with APC-related conditions. In summary, the available evidence is currently insufficient to determine the role of this variant in disease. Therefore, it has been classified as a Variant of Uncertain Significance. Advanced modeling of protein sequence and biophysical properties (such as structural, functional, and spatial information, amino acid conservation, physicochemical variation, residue mobility, and thermodynamic stability) performed at Invitae indicates that this missense variant is not expected to disrupt APC protein function. This variant is not present in population databases (gnomAD no frequency). This sequence change replaces proline, which is neutral and non-polar, with alanine, which is neutral and non-polar, at codon 1691 of the APC protein (p.Pro1691Ala).

NM_000038.6(APC):c.5071C>G (p.Pro1691Ala)

Gene: APC (APC regulator of Wnt signaling pathway; plus strand). Cytogenetic location: 5q22.2.
Variant type: single nucleotide variant.
Coding change: c.5071C>G on transcript NM_000038.6 (MANE Select); coding-DNA position 5071, C replaced by G.
Protein change: p.Pro1691Ala; replaces proline 1691 with alanine.
Molecular consequence: missense variant. On other transcripts: non-coding transcript variant (2).
Genome position (GRCh38, 1-based): chr5:112,840,665, C>G. VCF-style: chr5-112840665-C-G. GRCh37 (hg19) VCF-style: chr5-112176362-C-G.
Other names: c.5071C>G, p.Pro1691Ala (NM_001127510.3, NM_001354895.2, NM_001407450.1); c.5017C>G, p.Pro1673Ala (NM_001127511.3); c.5125C>G, p.Pro1709Ala (NM_001354896.2, NM_001407447.1, NM_001407448.1 and 1 more transcripts); c.5101C>G, p.Pro1701Ala (NM_001354897.2); c.4996C>G, p.Pro1666Ala (NM_001354898.2); c.4987C>G, p.Pro1663Ala (NM_001354899.2); c.4948C>G, p.Pro1650Ala (NM_001354900.2); c.4894C>G, p.Pro1632Ala (NM_001354901.2, NM_001407453.1); and 11 more; short protein forms P1608A, P1632A, P1663A, P1666A, P1681A, P1691A, P1307A, P1531A.
Identifiers: ClinVar variation 2958808 (VCV002958808.3), dbSNP rs1064794106, ClinGen allele CA16032419.